The following is an entry in ClinVar:

NM_013254.4(TBK1):c.1963C>G (p.Gln655Glu)

Gene: TBK1 (TANK binding kinase 1; plus strand). Cytogenetic location: 12q14.2.
Variant type: single nucleotide variant.
Coding change: c.1963C>G on transcript NM_013254.4 (MANE Select); coding-DNA position 1963, C replaced by G.
Protein change: p.Gln655Glu; replaces glutamine 655 with glutamic acid.
Molecular consequence: missense variant.
Genome position (GRCh38, 1-based): chr12:64,497,651, C>G. VCF-style: chr12-64497651-C-G. GRCh37 (hg19) VCF-style: chr12-64891431-C-G.
Other names: short protein forms Q655E.
Identifiers: ClinVar variation 4804562 (VCV004804562.1).

ClinVar aggregate classification (germline): Uncertain significance (1 of 4 stars; one submission).

Conditions:
Frontotemporal dementia and/or amyotrophic lateral sclerosis 4. Also called: FTDALS4. Identifiers: Orphanet 275872, MedGen C4225325, MONDO:0014641, OMIM 616439.

gnomAD v4.1: 2 of 1,240,834 alleles (0.00016%); highest among the groups gnomAD compares: Admixed American, 0.005%; no homozygotes.

Submission:

Labcorp Genetics (formerly Invitae), Labcorp
Classification: Uncertain significance for Frontotemporal dementia and/or amyotrophic lateral sclerosis 4. Last evaluated: 2025-05-05. Review status: criteria provided, single submitter. Criteria: Invitae Variant Classification Sherloc (09022015). Collection method: clinical testing. Allele origin: germline.
Comment: This sequence change replaces glutamine, which is neutral and polar, with glutamic acid, which is acidic and polar, at codon 655 of the TBK1 protein (p.Gln655Glu). The frequency data for this variant in the population databases is considered unreliable, as metrics indicate poor data quality at this position in the gnomAD database. This variant has not been reported in the literature in individuals affected with TBK1-related conditions. Invitae Evidence Modeling of protein sequence and biophysical properties (such as structural, functional, and spatial information, amino acid conservation, physicochemical variation, residue mobility, and thermodynamic stability) indicates that this missense variant is not expected to disrupt TBK1 protein function with a negative predictive value of 95%. In summary, the available evidence is currently insufficient to determine the role of this variant in disease. Therefore, it has been classified as a Variant of Uncertain Significance.